The following is an entry in ClinVar:

ClinVar aggregate classification (germline): Likely pathogenic (1 of 4 stars; one submission).

Allele frequency attached by ClinVar (database versions not stated): gnomAD exomes below 0.00001; ExAC 0.00001; gnomAD 0.00001.
gnomAD v4.1: 4 of 1,609,804 alleles (0.00025%); highest among the groups gnomAD compares: African/African-American, 0.0013%; no homozygotes.

Submission:

Labcorp Genetics (formerly Invitae), Labcorp
Classification: Likely pathogenic. Last evaluated: 2020-06-23. Review status: criteria provided, single submitter. Criteria: Invitae Variant Classification Sherloc (09022015). Collection method: clinical testing. Allele origin: germline.
Comment: This variant is present in population databases (rs766405509, ExAC 0.002%). This sequence change affects a donor splice site in intron 54 of the COL27A1 gene. It is expected to disrupt RNA splicing and likely results in an absent or disrupted protein product. This variant has not been reported in the literature in individuals with COL27A1-related disease. Algorithms developed to predict the effect of sequence changes on RNA splicing suggest that this variant may disrupt the consensus splice site, but this prediction has not been confirmed by published transcriptional studies. Donor and acceptor splice site variants typically lead to a loss of protein function (PMID: 16199547), and loss-of-function variants in COL27A1 are known to be pathogenic (PMID: 24986830, 28276056). In summary, the currently available evidence indicates that the variant is pathogenic, but additional data are needed to prove that conclusively. Therefore, this variant has been classified as Likely Pathogenic.

Literature cited by the submitters: PubMed 16199547; PubMed 24986830; PubMed 28276056.

NM_032888.4(COL27A1):c.4809+1G>C

Gene: COL27A1 (collagen type XXVII alpha 1 chain; plus strand). Cytogenetic location: 9q32.
Variant type: single nucleotide variant.
Coding change: c.4809+1G>C on transcript NM_032888.4 (MANE Select); the canonical splice donor site of the intron after coding-DNA position 4809, G replaced by C.
Molecular consequence: splice donor variant.
Genome position (GRCh38, 1-based): chr9:114,301,463, G>C. VCF-style: chr9-114301463-G-C. GRCh37 (hg19) VCF-style: chr9-117063743-G-C.
Identifiers: ClinVar variation 640299 (VCV000640299.9), dbSNP rs766405509, ClinGen allele CA5203112.